The following is an entry in ClinVar:

NM_014989.7(RIMS1):c.2903G>A (p.Arg968His)

Gene: RIMS1 (regulating synaptic membrane exocytosis 1; plus strand). Cytogenetic location: 6q13.
Variant type: single nucleotide variant.
Coding change: c.2903G>A on transcript NM_014989.7 (MANE Select); coding-DNA position 2903, G replaced by A.
Protein change: p.Arg968His; replaces arginine 968 with histidine.
Molecular consequence: missense variant.
Genome position (GRCh38, 1-based): chr6:72,258,257, G>A. VCF-style: chr6-72258257-G-A. GRCh37 (hg19) VCF-style: chr6-72967960-G-A.
Other names: c.1322G>A, p.Arg441His (NM_001168407.2, NM_001350415.2, NM_001350418.2 and 19 more transcripts); c.1325G>A, p.Arg442His (NM_001168408.2, NM_001350414.2, NM_001350416.2 and 15 more transcripts); c.1082G>A, p.Arg361His (NM_001168409.2, NM_001350464.2, NM_001350465.2 and 3 more transcripts); c.1280G>A, p.Arg427His (NM_001168410.2, NM_001350470.2, NM_001350473.2 and 1 more transcripts); c.1253G>A, p.Arg418His (NM_001350421.2, NM_001350430.2, NM_001350437.2 and 2 more transcripts); c.1256G>A, p.Arg419His (NM_001350424.2, NM_001350428.2, NM_001350459.2 and 1 more transcripts); c.1079G>A, p.Arg360His (NM_001350461.2, NM_001350463.2, NM_001350468.2); c.1277G>A, p.Arg426His (NM_001350472.2); short protein forms R361H, R427H, R441H, R442H, R968H, R418H, R426H, R360H.
Identifiers: ClinVar variation 1930252 (VCV001930252.5), dbSNP rs377682136, ClinGen allele CA3886065.
Genomic context (GRCh38, chr6:72,258,257, plus strand): 5'-ATCACCGCTCACGTTCAGTATCTCCTCATCGCGGCAATGATCAGGGAAAGCCGCGTTCAC[G>A]TTTACCAAATGTGCCATTACAGAGGTAGGCTTTGAAATGGGCTCAGTGTCCCTGACAGTA-3'
Protein context (NP_055804.2, residues 958-978): RGNDQGKPRS[Arg968His]LPNVPLQRSL

ClinVar aggregate classification (germline): Uncertain significance (1 of 4 stars; one submission).

Allele frequency attached by ClinVar (database versions not stated): TOPMed 0.00001; gnomAD exomes 0.00002; ExAC 0.00003; gnomAD 0.00003; ESP Exome Variant Server 0.00008.
gnomAD v4.1: 33 of 1,613,206 alleles (0.002%); highest among the groups gnomAD compares: Middle Eastern, 0.016%; no homozygotes.

Submission:

Labcorp Genetics (formerly Invitae), Labcorp
Classification: Uncertain significance. Last evaluated: 2022-11-26. Review status: criteria provided, single submitter. Criteria: Invitae Variant Classification Sherloc (09022015). Collection method: clinical testing. Allele origin: germline.
Comment: This sequence change replaces arginine, which is basic and polar, with histidine, which is basic and polar, at codon 968 of the RIMS1 protein (p.Arg968His). This variant is present in population databases (rs377682136, gnomAD 0.006%). This variant has not been reported in the literature in individuals affected with RIMS1-related conditions. Algorithms developed to predict the effect of missense changes on protein structure and function (SIFT, PolyPhen-2, Align-GVGD) all suggest that this variant is likely to be disruptive. In summary, the available evidence is currently insufficient to determine the role of this variant in disease. Therefore, it has been classified as a Variant of Uncertain Significance.